The following is an entry in ClinVar:

ClinVar aggregate classification (germline): Conflicting classifications of pathogenicity. Review status: criteria provided, conflicting classifications (1 of 4 stars). 6 submissions from 6 submitters: Uncertain significance (5); Likely benign (1). Last evaluated 2025-12-15.

Conditions:
LAMA4-related disorder. Also called: LAMA4-related condition.
Cardiovascular phenotype. Identifiers: MedGen CN230736.
Dilated cardiomyopathy 1JJ (CMD1JJ). Identifiers: Orphanet 154, MedGen C3808935, MONDO:0014095, OMIM 615235.
Cardiomyopathy (CMYO). Also called: Cardiomyopathies. Identifiers: Orphanet 167848, MedGen C0878544, MONDO:0004994, HP:0001638. Inheritance: Various modes of inheritance.

Allele frequency attached by ClinVar (database versions not stated): gnomAD exomes 0.00010 and 0.00011; ExAC 0.00011; gnomAD 0.00013 and 0.00014; TOPMed 0.00014; ESP Exome Variant Server 0.00023.
gnomAD v4.1: 171 of 1,612,888 alleles (0.011%); highest among the groups gnomAD compares: African/African-American, 0.02%; no homozygotes.

Submissions (6):

Ambry Genetics
Classification: Likely benign for Cardiovascular phenotype. Last evaluated: 2025-12-15. Review status: criteria provided, single submitter. Criteria: Ambry Variant Classification Scheme 2023. Collection method: clinical testing. Allele origin: germline.

Labcorp Genetics (formerly Invitae), Labcorp
Classification: Uncertain significance for Dilated cardiomyopathy 1JJ. Last evaluated: 2025-07-29. Review status: criteria provided, single submitter. Criteria: Invitae Variant Classification Sherloc (09022015). Collection method: clinical testing. Allele origin: germline.
Comment: This sequence change replaces arginine, which is basic and polar, with histidine, which is basic and polar, at codon 1491 of the LAMA4 protein (p.Arg1491His). The frequency data for this variant in the population databases is considered unreliable, as metrics indicate poor data quality at this position in the gnomAD database. This variant has not been reported in the literature in individuals affected with LAMA4-related conditions. ClinVar contains an entry for this variant (Variation ID: 841017). Invitae Evidence Modeling of protein sequence and biophysical properties (such as structural, functional, and spatial information, amino acid conservation, physicochemical variation, residue mobility, and thermodynamic stability) indicates that this missense variant is expected to disrupt LAMA4 protein function with a positive predictive value of 80%. In summary, the available evidence is currently insufficient to determine the role of this variant in disease. Therefore, it has been classified as a Variant of Uncertain Significance.

PreventionGenetics, part of Exact Sciences
Classification: Uncertain significance for LAMA4-related condition. Last evaluated: 2025-06-17. Review status: criteria provided, single submitter. Criteria: ACMG Guidelines, 2015. Collection method: clinical testing. Allele origin: germline.
Comment: The LAMA4 c.4472G>A variant is predicted to result in the amino acid substitution p.Arg1491His. To our knowledge, this variant has not been reported in the literature. This variant is reported in 0.026% of alleles in individuals of South Asian descent in gnomAD, which may be too common to be a primary cause of disease. Although we suspect that this variant may be benign, at this time, the clinical significance of this variant is uncertain due to the absence of conclusive functional and genetic evidence.

Fulgent Genetics
Classification: Uncertain significance for Dilated cardiomyopathy 1JJ. Last evaluated: 2022-05-16. Review status: criteria provided, single submitter. Criteria: ACMG Guidelines, 2015. Collection method: clinical testing. Allele origin: unknown.

GeneDx
Classification: Uncertain significance. Last evaluated: 2020-01-06. Review status: criteria provided, single submitter. Criteria: GeneDx Variant Classification Process June 2021. Collection method: clinical testing. Allele origin: germline. Affected: yes.
Comment: In silico analysis, which includes protein predictors and evolutionary conservation, supports that this variant does not alter protein structure/function; Has not been previously published as pathogenic or benign to our knowledge

CHEO Genetics Diagnostic Laboratory, Children's Hospital of Eastern Ontario
Classification: Uncertain significance for Cardiomyopathy. Last evaluated: 2019-07-10. Review status: criteria provided, single submitter. Criteria: ACMG Guidelines, 2015. Collection method: clinical testing. Allele origin: germline.

Literature cited by the submitters: PubMed 30847666 (cited by Ambry Genetics).

NM_001105206.3(LAMA4):c.4493G>A (p.Arg1498His)

Gene: LAMA4 (laminin subunit alpha 4; minus strand). Cytogenetic location: 6q21.
Variant type: single nucleotide variant.
Coding change: c.4493G>A on transcript NM_001105206.3 (MANE Select); coding-DNA position 4493, G replaced by A.
Protein change: p.Arg1498His; replaces arginine 1498 with histidine.
Molecular consequence: missense variant.
Genome position (GRCh38, 1-based): chr6:112,120,455, C>T on the plus strand (G>A on the coding strand, the complement: LAMA4 is on the minus strand). VCF-style: chr6-112120455-C-T. GRCh37 (hg19) VCF-style: chr6-112441658-C-T.
Other names: c.4472G>A, p.Arg1491His (NM_001105207.3, NM_002290.5); short protein forms R1498H, R1491H.
Identifiers: ClinVar variation 841017 (VCV000841017.20), dbSNP rs147556641, ClinGen allele CA3964967.